The following is an entry in ClinVar:

ClinVar aggregate classification (germline): Pathogenic. Review status: criteria provided, multiple submitters, no conflicts (2 of 4 stars). 3 submissions from 3 submitters: Pathogenic (3). Last evaluated 2023-11-28.

Conditions:
Hereditary nonpolyposis colorectal neoplasms. Identifiers: MedGen C0009405, MeSH D003123.
Hereditary cancer-predisposing syndrome. Also called: Tumor predisposition; Hereditary neoplastic syndrome; Neoplastic Syndromes, Hereditary; Hereditary Cancer Syndrome. Identifiers: Orphanet 140162, MedGen C0027672, MeSH D009386, MONDO:0015356.
Lynch syndrome 5 (LYNCH5). Also called: Colorectal cancer, hereditary nonpolyposis, type 5; Hereditary non-polyposis colorectal cancer, type 5. Identifiers: Orphanet 144, MedGen C1833477, MONDO:0013710, OMIM 614350. Disease mechanism: loss of function.

Submissions (3):

Ambry Genetics
Classification: Pathogenic for Hereditary cancer-predisposing syndrome. Last evaluated: 2023-11-28. Review status: criteria provided, single submitter. Criteria: Ambry Variant Classification Scheme 2023. Collection method: clinical testing. Allele origin: germline.
Comment: The c.496delT pathogenic mutation, located in coding exon 3 of the MSH6 gene, results from a deletion of one nucleotide at nucleotide position 496, causing a translational frameshift with a predicted alternate stop codon (p.Y166Tfs*8). This alteration is expected to result in loss of function by premature protein truncation or nonsense-mediated mRNA decay. As such, this alteration is interpreted as a disease-causing mutation.

Myriad Genetics, Inc.
Classification: Pathogenic for Lynch syndrome 5. Last evaluated: 2023-08-10. Review status: criteria provided, single submitter. Criteria: Myriad Autosomal Dominant, Autosomal Recessive and X-Linked Classification Criteria (2023). Collection method: clinical testing. Allele origin: unknown.
Comment: This variant is considered pathogenic. This variant creates a frameshift predicted to result in premature protein truncation.

Labcorp Genetics (formerly Invitae), Labcorp
Classification: Pathogenic for Hereditary nonpolyposis colorectal neoplasms. Last evaluated: 2020-04-01. Review status: criteria provided, single submitter. Criteria: Invitae Variant Classification Sherloc (09022015). Collection method: clinical testing. Allele origin: germline.
Comment: Loss-of-function variants in MSH6 are known to be pathogenic (PMID: 18269114, 24362816). For these reasons, this variant has been classified as Pathogenic. This variant has not been reported in the literature in individuals with MSH6-related conditions. This sequence change creates a premature translational stop signal (p.Tyr166Thrfs*8) in the MSH6 gene. It is expected to result in an absent or disrupted protein product. This variant is not present in population databases (ExAC no frequency).

Literature cited by the submitters: PubMed 18269114 (cited by Labcorp Genetics (formerly Invitae), Labcorp); PubMed 24362816 (cited by Labcorp Genetics (formerly Invitae), Labcorp).

NM_000179.3(MSH6):c.496del (p.Tyr166fs)

Gene: MSH6 (mutS homolog 6; plus strand). Cytogenetic location: 2p16.3.
Variant type: Deletion.
Coding change: c.496del on transcript NM_000179.3 (MANE Select); coding-DNA position 496, one base deleted (T; older notation c.496delT).
Protein change: p.Tyr166fs; shifts the reading frame from tyrosine 166.
Molecular consequence: frameshift variant. On other transcripts: 5 prime UTR variant (1), intron variant (2).
Genome position (GRCh38, 1-based): chr2:47,795,932, T deleted; the last of 5 consecutive T bases (chr2:47,795,928-47,795,932); deleting any one gives the same sequence. VCF-style (leftmost placement, unchanged base first): chr2-47795927-AT-A. GRCh37 (hg19) VCF-style: chr2-48023066-AT-A.
Other names: c.-407del (NM_001281494.2); c.-279-2679del (NM_001281493.2); c.238-2679del (NM_001281492.2); short protein forms Y166fs.
Identifiers: ClinVar variation 1071630 (VCV001071630.10), dbSNP rs1553411409, ClinGen allele CA2499216088.